The following is an entry in ClinVar:

NM_000286.3(PEX12):c.761G>C (p.Gly254Ala)

Gene: PEX12 (peroxisomal biogenesis factor 12; minus strand). Cytogenetic location: 17q12.
Variant type: single nucleotide variant.
Coding change: c.761G>C on transcript NM_000286.3 (MANE Select); coding-DNA position 761, G replaced by C.
Protein change: p.Gly254Ala; replaces glycine 254 with alanine.
Molecular consequence: missense variant.
Genome position (GRCh38, 1-based): chr17:35,576,101, C>G on the plus strand (G>C on the coding strand, the complement: PEX12 is on the minus strand). VCF-style: chr17-35576101-C-G. GRCh37 (hg19) VCF-style: chr17-33903120-C-G.
Other names: short protein forms G254A.
Identifiers: ClinVar variation 1345636 (VCV001345636.8), dbSNP rs2072783485, ClinGen allele CA399137444.

ClinVar aggregate classification (germline): Uncertain significance (1 of 4 stars; one submission).

Conditions:
Peroxisome biogenesis disorder 3A (Zellweger). Also called: PEROXISOMAL BIOGENESIS DISORDER 3A (ZELLWEGER); Peroxisome biogenesis disorder 3A. Identifiers: Orphanet 912, MedGen C3553929, MONDO:0013927, OMIM 614859.

Submission:

Labcorp Genetics (formerly Invitae), Labcorp
Classification: Uncertain significance for Peroxisome biogenesis disorder 3A (Zellweger). Last evaluated: 2022-08-16. Review status: criteria provided, single submitter. Criteria: Invitae Variant Classification Sherloc (09022015). Collection method: clinical testing. Allele origin: germline.
Comment: ClinVar contains an entry for this variant (Variation ID: 1345636). This variant has not been reported in the literature in individuals affected with PEX12-related conditions. This variant is not present in population databases (gnomAD no frequency). This sequence change replaces glycine, which is neutral and non-polar, with alanine, which is neutral and non-polar, at codon 254 of the PEX12 protein (p.Gly254Ala). Algorithms developed to predict the effect of missense changes on protein structure and function (SIFT, PolyPhen-2, Align-GVGD) all suggest that this variant is likely to be tolerated. In summary, the available evidence is currently insufficient to determine the role of this variant in disease. Therefore, it has been classified as a Variant of Uncertain Significance.